The following is an entry in ClinVar:

ClinVar aggregate classification (germline): Uncertain significance (1 of 4 stars; one submission).

Conditions:
Hereditary cancer-predisposing syndrome. Also called: Neoplastic Syndromes, Hereditary; Hereditary Cancer Syndrome; Hereditary neoplastic syndrome; Tumor predisposition. Identifiers: Orphanet 140162, MedGen C0027672, MeSH D009386, MONDO:0015356.

gnomAD v4.1: 1 of 1,612,536 alleles (0.000062%); no homozygotes.

Submission:

Labcorp Genetics (formerly Invitae), Labcorp
Classification: Uncertain significance for Hereditary cancer-predisposing syndrome. Last evaluated: 2023-06-17. Review status: criteria provided, single submitter. Criteria: Invitae Variant Classification Sherloc (09022015). Collection method: clinical testing. Allele origin: germline.
Comment: In summary, the available evidence is currently insufficient to determine the role of this variant in disease. Therefore, it has been classified as a Variant of Uncertain Significance. Advanced modeling of protein sequence and biophysical properties (such as structural, functional, and spatial information, amino acid conservation, physicochemical variation, residue mobility, and thermodynamic stability) has been performed at Invitae for this missense variant, however the output from this modeling did not meet the statistical confidence thresholds required to predict the impact of this variant on RAD50 protein function. ClinVar contains an entry for this variant (Variation ID: 1435859). This variant has not been reported in the literature in individuals affected with RAD50-related conditions. This variant is not present in population databases (gnomAD no frequency). This sequence change replaces glycine, which is neutral and non-polar, with valine, which is neutral and non-polar, at codon 438 of the RAD50 protein (p.Gly438Val).

NM_005732.4(RAD50):c.1313G>T (p.Gly438Val)

Gene: RAD50 (RAD50 double strand break repair protein; plus strand). Cytogenetic location: 5q31.1.
Variant type: single nucleotide variant.
Coding change: c.1313G>T on transcript NM_005732.4 (MANE Select); coding-DNA position 1313, G replaced by T.
Protein change: p.Gly438Val; replaces glycine 438 with valine.
Molecular consequence: missense variant.
Genome position (GRCh38, 1-based): chr5:132,589,698, G>T. VCF-style: chr5-132589698-G-T. GRCh37 (hg19) VCF-style: chr5-131925390-G-T.
Other names: short protein forms G438V.
Identifiers: ClinVar variation 1435859 (VCV001435859.8), dbSNP rs549284516, ClinGen allele CA360943794.